The following is an entry in ClinVar:

NM_004972.4(JAK2):c.844GAG[1] (p.Glu283del)

Genes: INSL6 (insulin like 6; minus strand), JAK2 (Janus kinase 2; plus strand). Cytogenetic location: 9p24.1.
Variant type: Microsatellite.
Coding change: c.844GAG[1] on transcript NM_004972.4 (MANE Select); one copy of the 3-base unit GAG starting at c.844; the reference has two copies in a row; one copy, 3 bases deleted.
Protein change: p.Glu283del; deletes glutamic acid 283.
Molecular consequence: inframe deletion. On other transcripts: non-coding transcript variant (2), intron variant (2), inframe indel (2).
Genome position (GRCh38, 1-based): chr9:5,054,795-5,054,797, GAG deleted; deleting any 3 consecutive bases within chr9:5,054,792-5,054,797 gives the same sequence; the position shown is the placement nearest the transcript's 3' end. VCF-style (leftmost placement, unchanged base first): chr9-5054791-TGAG-T. GRCh37 (hg19) VCF-style: chr9-5054791-TGAG-T.
Other names: c.-280+6_-280+8del (NM_001322198.2, NM_001322199.2); c.844GAG[1], p.Glu283del (NM_001322194.2, NM_001322195.2, NM_001322196.2); c.397GAG[1], p.Glu134del (NM_001322204.2); c.844_846GAG[1], p.Glu283del (NM_004972.3); c.847_849delGAG (NM_004972.3); short protein forms E134del, E283del.
Identifiers: ClinVar variation 2634732 (VCV002634732.3), dbSNP rs756672543, ClinGen allele CA4971671.

ClinVar aggregate classification (germline): Uncertain significance. Review status: criteria provided, multiple submitters, no conflicts (2 of 4 stars). 2 submissions from 2 submitters: Uncertain significance (2). Last evaluated 2025-08-11.

Conditions:
JAK2-related disorder. Also called: JAK2-related condition.

Submissions (2):

PreventionGenetics, part of Exact Sciences
Classification: Uncertain significance for JAK2-related condition. Last evaluated: 2025-08-11. Review status: criteria provided, single submitter. Criteria: ACMG Guidelines, 2015. Collection method: clinical testing. Allele origin: germline.
Comment: The JAK2 c.847_849delGAG variant is predicted to result in an in-frame deletion (p.Glu283del). This variant has been reported in an individual with acute myeloid leukemia (Supporting Figure 3C, Sasaki et al. 2020. PubMed ID: 31742675; Table 1, Benton et al. 2019. PubMed ID: 30811597). This variant is reported in 0.0085% of alleles in individuals of Latino descent in gnomAD. At this time, the clinical significance of this variant is uncertain due to the absence of conclusive functional and genetic evidence.

Labcorp Genetics (formerly Invitae), Labcorp
Classification: Uncertain significance. Last evaluated: 2025-07-31. Review status: criteria provided, single submitter. Criteria: Invitae Variant Classification Sherloc (09022015). Collection method: clinical testing. Allele origin: germline.
Comment: This variant, c.847_849del, results in the deletion of 1 amino acid(s) of the JAK2 protein (p.Glu283del), but otherwise preserves the integrity of the reading frame. This variant is present in population databases (rs756672543, gnomAD 0.006%). This variant has not been reported in the literature in individuals affected with JAK2-related conditions. Experimental studies and prediction algorithms are not available or were not evaluated, and the functional significance of this variant is currently unknown. In summary, the available evidence is currently insufficient to determine the role of this variant in disease. Therefore, it has been classified as a Variant of Uncertain Significance.